The following is an entry in ClinVar:

ClinVar aggregate classification (germline): Uncertain significance (1 of 4 stars; one submission).

Conditions:
Charcot-Marie-Tooth disease type 4. Also called: Charcot-Marie-Tooth disease, type IV; Charcot-Marie-Tooth, Type 4. Identifiers: Orphanet 64749, MedGen C4082197, MONDO:0018995.

Allele frequency attached by ClinVar (database versions not stated): ExAC 0.00001; gnomAD exomes 0.00001 and 0.00002; TOPMed 0.00001; ESP Exome Variant Server 0.00008.

Submission:

Labcorp Genetics (formerly Invitae), Labcorp
Classification: Uncertain significance for Charcot-Marie-Tooth disease type 4. Last evaluated: 2018-02-07. Review status: criteria provided, single submitter. Criteria: Invitae Variant Classification Sherloc (09022015). Collection method: clinical testing. Allele origin: germline.
Comment: This variant is present in population databases (rs145466148, ExAC 0.001%). This sequence change replaces tyrosine with cysteine at codon 125 of the FIG4 protein (p.Tyr125Cys). The tyrosine residue is highly conserved and there is a large physicochemical difference between tyrosine and cysteine. This variant has not been reported in the literature in individuals with FIG4-related disease. In summary, the available evidence is currently insufficient to determine the role of this variant in disease. Therefore, it has been classified as a Variant of Uncertain Significance. Algorithms developed to predict the effect of sequence changes on RNA splicing suggest that this variant may create or strengthen a splice site, but this prediction has not been confirmed by published transcriptional studies. Algorithms developed to predict the effect of missense changes on protein structure and function do not agree on the potential impact of this missense change (SIFT: "Deleterious"; PolyPhen-2: "Probably Damaging"; Align-GVGD: "Class C0").

NM_014845.6(FIG4):c.374A>G (p.Tyr125Cys)

Gene: FIG4 (FIG4 phosphoinositide 5-phosphatase; plus strand). Cytogenetic location: 6q21.
Variant type: single nucleotide variant.
Coding change: c.374A>G on transcript NM_014845.6 (MANE Select); coding-DNA position 374, A replaced by G.
Protein change: p.Tyr125Cys; replaces tyrosine 125 with cysteine.
Molecular consequence: missense variant.
Genome position (GRCh38, 1-based): chr6:109,727,193, A>G. VCF-style: chr6-109727193-A-G. GRCh37 (hg19) VCF-style: chr6-110048396-A-G.
Other names: short protein forms Y125C.
Identifiers: ClinVar variation 578913 (VCV000578913.8), dbSNP rs145466148, ClinGen allele CA3955755.